The following is an entry in ClinVar:

ClinVar aggregate classification (germline): Likely benign. Review status: criteria provided, multiple submitters, no conflicts (2 of 4 stars). 2 submissions from 2 submitters: Likely benign (2). Last evaluated 2025-08-20.

Conditions:
TNF receptor-associated periodic fever syndrome (TRAPS) (FPF). Also called: TNF receptor 1-associated periodic fever syndrome; TNF RECEPTOR-ASSOCIATED PERIODIC SYNDROME; TUMOR NECROSIS FACTOR RECEPTOR-ASSOCIATED PERIODIC SYNDROME; TNF Receptor-Associated Periodic Fever Syndrome; FAMILIAL HIBERNIAN FEVER; Autosomal Dominant Familial Periodic Fever. Identifiers: Orphanet 32960, MedGen C1275126, MONDO:0007727, OMIM 142680.

Allele frequency attached by ClinVar (database versions not stated): ExAC 0.00001; gnomAD 0.00002; gnomAD exomes 0.00002; TOPMed 0.00002; ESP Exome Variant Server 0.00008.
gnomAD v4.1: 35 of 1,582,732 alleles (0.0022%); highest among the groups gnomAD compares: Middle Eastern, 0.017%; no homozygotes.

Submissions (2):

Labcorp Genetics (formerly Invitae), Labcorp
Classification: Likely benign for TNF receptor-associated periodic fever syndrome (TRAPS). Last evaluated: 2025-08-20. Review status: criteria provided, single submitter. Criteria: Invitae Variant Classification Sherloc (09022015). Collection method: clinical testing. Allele origin: germline.

CeGaT Center for Human Genetics Tuebingen
Classification: Likely benign. Last evaluated: 2022-11-01. Review status: criteria provided, single submitter. Criteria: CeGaT Center For Human Genetics Tuebingen Variant Classification Criteria Version 2. Collection method: clinical testing. Allele origin: germline. Affected: yes. Observed: 2 variant alleles.
Comment: TNFRSF1A: BP4, BP7

NM_001065.4(TNFRSF1A):c.1257G>A (p.Glu419=)

Gene: TNFRSF1A (TNF receptor superfamily member 1A; minus strand). Cytogenetic location: 12p13.31.
Variant type: single nucleotide variant.
Coding change: c.1257G>A on transcript NM_001065.4 (MANE Select); coding-DNA position 1257, G replaced by A.
Protein change: p.Glu419=; no amino-acid change (glutamic acid 419 retained).
Molecular consequence: synonymous variant. On other transcripts: non-coding transcript variant (1).
Genome position (GRCh38, 1-based): chr12:6,329,423, C>T on the plus strand (G>A on the coding strand, the complement: TNFRSF1A is on the minus strand). VCF-style: chr12-6329423-C-T. GRCh37 (hg19) VCF-style: chr12-6438589-C-T.
Other names: c.933G>A, p.Glu311= (NM_001346091.2); c.798G>A, p.Glu266= (NM_001346092.2).
Identifiers: ClinVar variation 797869 (VCV000797869.46), dbSNP rs199636425, ClinGen allele CA6405234.